The following is an entry in ClinVar:

ClinVar aggregate classification (germline): Likely benign (0 of 4 stars; one submission).

Conditions:
PPP1R3A-related disorder. Also called: PPP1R3A-related condition.

Allele frequency attached by ClinVar (database versions not stated): gnomAD exomes 0.00012; ExAC 0.00030; ESP Exome Variant Server 0.00108; gnomAD 0.00114; TOPMed 0.00124; 1000 Genomes Project 0.00140; 1000 Genomes Project 30x 0.00156.
gnomAD v4.1: 359 of 1,613,614 alleles (0.022%); highest among the groups gnomAD compares: African/African-American, 0.44%; 2 homozygotes.

Submission:

PreventionGenetics, part of Exact Sciences
Classification: Likely benign for PPP1R3A-related condition. Last evaluated: 2019-08-01. Review status: no assertion criteria provided. Collection method: clinical testing. Allele origin: germline.
Comment: This variant is classified as likely benign based on ACMG/AMP sequence variant interpretation guidelines (Richards et al. 2015 PMID: 25741868, with internal and published modifications).

NM_002711.4(PPP1R3A):c.2061A>G (p.Gly687=)

Gene: PPP1R3A (protein phosphatase 1 regulatory subunit 3A; minus strand). Cytogenetic location: 7q31.1.
Variant type: single nucleotide variant.
Coding change: c.2061A>G on transcript NM_002711.4 (MANE Select); coding-DNA position 2061, A replaced by G.
Protein change: p.Gly687=; no amino-acid change (glycine 687 retained).
Molecular consequence: synonymous variant.
Genome position (GRCh38, 1-based): chr7:113,879,031, T>C on the plus strand (A>G on the coding strand, the complement: PPP1R3A is on the minus strand). VCF-style: chr7-113879031-T-C. GRCh37 (hg19) VCF-style: chr7-113519086-T-C.
Identifiers: ClinVar variation 3056925 (VCV003056925.2), dbSNP rs150106418, ClinGen allele CA4445150.